The following is an entry in ClinVar:

NM_001329943.3(KIAA0586):c.3090T>C (p.Gly1030=)

Gene: KIAA0586 (KIAA0586; plus strand). Cytogenetic location: 14q23.1.
Variant type: single nucleotide variant.
Coding change: c.3090T>C on transcript NM_001329943.3 (MANE Select); coding-DNA position 3090, T replaced by C.
Protein change: p.Gly1030=; no amino-acid change (glycine 1030 retained).
Molecular consequence: synonymous variant.
Genome position (GRCh38, 1-based): chr14:58,482,658, T>C. VCF-style: chr14-58482658-T-C. GRCh37 (hg19) VCF-style: chr14-58949376-T-C.
Other names: c.3249T>C, p.Gly1083= (NM_001244189.2); c.3045T>C, p.Gly1015= (NM_001244190.2); c.2835T>C, p.Gly945= (NM_001244191.2, NM_001329945.2, NM_001364700.1 and 1 more transcripts); c.2958T>C, p.Gly986= (NM_001244192.2); c.2670T>C, p.Gly890= (NM_001244193.2); c.3090T>C, p.Gly1030= (NM_001329944.2, NM_001329946.2, NM_001329947.2); c.2862T>C, p.Gly954= (NM_014749.5).
Identifiers: ClinVar variation 2644260 (VCV002644260.24), dbSNP rs2543535478, ClinGen allele CA486544356.

ClinVar aggregate classification (germline): Likely benign (1 of 4 stars; one submission).

Submission:

CeGaT Center for Human Genetics Tuebingen
Classification: Likely benign. Last evaluated: 2023-03-01. Review status: criteria provided, single submitter. Criteria: CeGaT Center For Human Genetics Tuebingen Variant Classification Criteria Version 2. Collection method: clinical testing. Allele origin: germline. Affected: yes. Observed: 1 variant allele.
Comment: KIAA0586: PM2:Supporting, BP4, BP7